The following is an entry in ClinVar:

ClinVar aggregate classification (germline): Likely benign. Review status: criteria provided, multiple submitters, no conflicts (2 of 4 stars). 2 submissions from 2 submitters: Likely benign (2). Last evaluated 2023-11-06.

Allele frequency attached by ClinVar (database versions not stated): gnomAD exomes 0.00001 and 0.00003; TOPMed 0.00002; ExAC 0.00004.
gnomAD v4.1: 8 of 1,613,164 alleles (0.0005%); highest among the groups gnomAD compares: Admixed American, 0.0083%; no homozygotes.

Submissions (2):

Labcorp Genetics (formerly Invitae), Labcorp
Classification: Likely benign. Last evaluated: 2023-11-06. Review status: criteria provided, single submitter. Criteria: Invitae Variant Classification Sherloc (09022015). Collection method: clinical testing. Allele origin: germline.

Laboratory for Molecular Medicine, Mass General Brigham Personalized Medicine
Classification: Likely benign. Last evaluated: 2017-08-23. Review status: criteria provided, single submitter. Criteria: LMM Criteria. Collection method: clinical testing. Allele origin: germline. Observed: 1 variant allele.
Comment: p.Gly296Gly in exon 15 of COL4A4: This variant is not expected to have clinical significance because it does not alter an amino acid residue and is not located within the splice consensus sequence. It has been identified in 0.03% (4/11576) of Latino chromosomes by the Exome Aggregation Consortium (ExAC; dbSNP rs746239973).

NM_000092.5(COL4A4):c.888G>A (p.Gly296=)

Gene: COL4A4 (collagen type IV alpha 4 chain; minus strand). Cytogenetic location: 2q36.3.
Variant type: single nucleotide variant.
Coding change: c.888G>A on transcript NM_000092.5 (MANE Select); coding-DNA position 888, G replaced by A.
Protein change: p.Gly296=; no amino-acid change (glycine 296 retained).
Molecular consequence: synonymous variant.
Genome position (GRCh38, 1-based): chr2:227,102,831, C>T on the plus strand (G>A on the coding strand, the complement: COL4A4 is on the minus strand). VCF-style: chr2-227102831-C-T. GRCh37 (hg19) VCF-style: chr2-227967547-C-T.
Identifiers: ClinVar variation 666679 (VCV000666679.12), dbSNP rs746239973, ClinGen allele CA2145371.
Genomic context (GRCh38, chr2:227,102,831, plus strand): 5'-ACAGCAAATGATGCTTACCCGAGGCCCTGGAAATCCAGGAATACCTTTTTCTCCTTTTGC[C>T]CCAATACCAGATTCTCCCTTTAAGAGATGACAACATTTAGAGGGGTTCAAGCAACAATAT-3'
Protein context (NP_000083.3, residues 286-306): PPGRKGESGI[Gly296=]AKGEKGIPGF